The following is an entry in ClinVar:

ClinVar aggregate classification (germline): Uncertain significance (1 of 4 stars; one submission).

gnomAD v4.1: 1 of 1,607,600 alleles (0.000062%); highest among the groups gnomAD compares: Middle Eastern, 0.017%; no homozygotes.

Submission:

GeneDx
Classification: Uncertain significance. Last evaluated: 2026-01-23. Review status: criteria provided, single submitter. Criteria: GeneDx Variant Classification Process June 2021. Collection method: clinical testing. Allele origin: germline.
Comment: Not observed at significant frequency in large population cohorts (gnomAD); In silico analysis supports that this missense variant has a deleterious effect on protein structure/function; Has not been previously published as pathogenic or benign to our knowledge

NM_001377.3(DYNC2H1):c.431G>A (p.Gly144Glu)

Gene: DYNC2H1 (dynein cytoplasmic 2 heavy chain 1; plus strand). Cytogenetic location: 11q22.3.
Variant type: single nucleotide variant.
Coding change: c.431G>A on transcript NM_001377.3 (MANE Select); coding-DNA position 431, G replaced by A.
Protein change: p.Gly144Glu; replaces glycine 144 with glutamic acid.
Molecular consequence: missense variant.
Genome position (GRCh38, 1-based): chr11:103,114,167, G>A. VCF-style: chr11-103114167-G-A. GRCh37 (hg19) VCF-style: chr11-102984896-G-A.
Other names: c.431G>A, p.Gly144Glu (NM_001080463.2); short protein forms G144E.
Identifiers: ClinVar variation 4975254 (VCV004975254.1).
Genomic context (GRCh38, chr11:103,114,167, plus strand): 5'-AGGAATGGAGCAGAAACTTTGATCCCAAACTTCAGAATCTTTTGAGTGAACTAGAAGCTG[G>A]GTTGGGTATAGTTCTACGAAGATCAGACACTAACTTAACAAAATTGAAATTTAAGGAAGA-3'
Protein context (NP_001368.2, residues 134-154): LQNLLSELEA[Gly144Glu]LGIVLRRSDT